The following is an entry in ClinVar:

NM_000260.4(MYO7A):c.3008A>G (p.Lys1003Arg)

Gene: MYO7A (myosin VIIA; plus strand). Cytogenetic location: 11q13.5.
Variant type: single nucleotide variant.
Coding change: c.3008A>G on transcript NM_000260.4 (MANE Select); coding-DNA position 3008, A replaced by G.
Protein change: p.Lys1003Arg; replaces lysine 1003 with arginine.
Molecular consequence: missense variant.
Genome position (GRCh38, 1-based): chr11:77,182,054, A>G. VCF-style: chr11-77182054-A-G. GRCh37 (hg19) VCF-style: chr11-76893100-A-G.
Other names: c.3008A>G, p.Lys1003Arg (NM_001127180.2); c.2975A>G, p.Lys992Arg (NM_001369365.1); short protein forms K1003R, K992R.
Identifiers: ClinVar variation 3382059 (VCV003382059.2).
Genomic context (GRCh38, chr11:77,182,054, plus strand): 5'-ATGCAGCCCTGCCCCTGCCTGACGAGGATGAGGAGGACCTCTCTGAGTATAAATTTGCCA[A>G]GTTCGCGGCCACCTACTTCCAGGGGACAACCACGCACTCCTACACCCGGCGGCCACTCAA-3'
Protein context (NP_000251.3, residues 993-1013): EEDLSEYKFA[Lys1003Arg]FAATYFQGTT

ClinVar aggregate classification (germline): Uncertain significance (1 of 4 stars; one submission).

Conditions:
Autosomal recessive nonsyndromic hearing loss 2. Also called: NEUROSENSORY NONSYNDROMIC RECESSIVE DEAFNESS 2; DEAFNESS, AUTOSOMAL RECESSIVE 2. Identifiers: Orphanet 90636, MedGen C1838701, MONDO:0010807, OMIM 600060.
Usher syndrome type 1 (USH1). Also called: RETINITIS PIGMENTOSA AND CONGENITAL DEAFNESS. Identifiers: Orphanet 231169, Orphanet 886, MedGen C1568247, MONDO:0010168, OMIM 276900.
Autosomal dominant nonsyndromic hearing loss 11. Identifiers: Orphanet 90635, MedGen C1832475, MONDO:0011032, OMIM 601317.

gnomAD v4.1: 1 of 1,613,426 alleles (0.000062%); highest among the groups gnomAD compares: Non-Finnish European, 0.000085%; no homozygotes.

Submission:

Juno Genomics, Hangzhou Juno Genomics, Inc
Classification: Uncertain significance for Autosomal dominant nonsyndromic hearing loss 11; Autosomal recessive nonsyndromic hearing loss 2; Usher syndrome type 1. Review status: criteria provided, single submitter. Criteria: ACMG Guidelines, 2015. Collection method: clinical testing. Allele origin: germline. Affected: yes.
Comment: Absent from controls (or at extremely low frequency if recessive) in Genome Aggregation Database, Exome Sequencing Project, 1000 Genomes Project, or Exome Aggregation Consortium.;Multiple lines of computational evidence support a deleterious effect on the gene or gene product (conservation, evolutionary, splicing impact, etc).